The following is an entry in ClinVar:

ClinVar aggregate classification (germline): Uncertain significance. Review status: criteria provided, multiple submitters, no conflicts (2 of 4 stars). 3 submissions from 3 submitters: Uncertain significance (3). Last evaluated 2025-08-01.

Conditions:
Hereditary cancer-predisposing syndrome. Also called: Hereditary neoplastic syndrome; Neoplastic Syndromes, Hereditary; Tumor predisposition; Hereditary Cancer Syndrome. Identifiers: Orphanet 140162, MedGen C0027672, MeSH D009386, MONDO:0015356.
Microcephaly, normal intelligence and immunodeficiency (NBS). Also called: IMMUNODEFICIENCY, MICROCEPHALY, AND CHROMOSOMAL INSTABILITY; SEEMANOVA SYNDROME II; Nijmegen breakage syndrome; Microcephaly with normal intelligence immunodeficiency and lymphoreticular malignancies; Nonsyndromal microcephaly autosomal recessive with normal intelligence; Seemanova syndrome 2. Identifiers: Orphanet 647, MedGen C0398791, MONDO:0009623, OMIM 251260.

gnomAD v4.1: 1 of 1,613,850 alleles (0.000062%); no homozygotes.

Submissions (3):

Ambry Genetics
Classification: Uncertain significance for Hereditary cancer-predisposing syndrome. Last evaluated: 2025-08-01. Review status: criteria provided, single submitter. Criteria: Ambry Variant Classification Scheme 2023. Collection method: clinical testing. Allele origin: germline.
Comment: The p.S442G variant (also known as c.1324A>G), located in coding exon 10 of the NBN gene, results from an A to G substitution at nucleotide position 1324. The serine at codon 442 is replaced by glycine, an amino acid with similar properties. This amino acid position is not well conserved in available vertebrate species. In addition, this alteration is predicted to be tolerated by in silico analysis. Since supporting evidence is limited at this time, the clinical significance of this alteration remains unclear.

Labcorp Genetics (formerly Invitae), Labcorp
Classification: Uncertain significance for Microcephaly, normal intelligence and immunodeficiency. Last evaluated: 2023-04-06. Review status: criteria provided, single submitter. Criteria: Invitae Variant Classification Sherloc (09022015). Collection method: clinical testing. Allele origin: germline.
Comment: This variant has not been reported in the literature in individuals affected with NBN-related conditions. In summary, the available evidence is currently insufficient to determine the role of this variant in disease. Therefore, it has been classified as a Variant of Uncertain Significance. RNA analysis performed to evaluate the impact of this missense change on mRNA splicing indicates it does not significantly alter splicing (Invitae). Algorithms developed to predict the effect of missense changes on protein structure and function output the following: SIFT: "Not Available"; PolyPhen-2: "Benign"; Align-GVGD: "Not Available". The glycine amino acid residue is found in multiple mammalian species, which suggests that this missense change does not adversely affect protein function. ClinVar contains an entry for this variant (Variation ID: 483986). This variant is not present in population databases (gnomAD no frequency). This sequence change replaces serine, which is neutral and polar, with glycine, which is neutral and non-polar, at codon 442 of the NBN protein (p.Ser442Gly).

Genome-Nilou Lab
Classification: Uncertain significance for Microcephaly, normal intelligence and immunodeficiency. Last evaluated: 2021-11-07. Review status: criteria provided, single submitter. Criteria: ACMG Guidelines, 2015. Collection method: clinical testing. Allele origin: germline. Affected: no.

NM_002485.5(NBN):c.1324A>G (p.Ser442Gly)

Gene: NBN (nibrin; minus strand). Cytogenetic location: 8q21.3.
Variant type: single nucleotide variant.
Coding change: c.1324A>G on transcript NM_002485.5 (MANE Select); coding-DNA position 1324, A replaced by G.
Protein change: p.Ser442Gly; replaces serine 442 with glycine.
Molecular consequence: missense variant.
Genome position (GRCh38, 1-based): chr8:89,955,356, T>C on the plus strand (A>G on the coding strand, the complement: NBN is on the minus strand). VCF-style: chr8-89955356-T-C. GRCh37 (hg19) VCF-style: chr8-90967584-T-C.
Other names: c.1078A>G, p.Ser360Gly (NM_001024688.3); short protein forms S442G, S360G.
Identifiers: ClinVar variation 483986 (VCV000483986.15), dbSNP rs1554559097, ClinGen allele CA371656114.